The following is an entry in ClinVar:

NM_004006.3(DMD):c.2665C>T (p.Arg889Ter)

Gene: DMD (dystrophin; minus strand). Cytogenetic location: Xp21.1.
Variant type: single nucleotide variant.
Coding change: c.2665C>T on transcript NM_004006.3 (MANE Select); coding-DNA position 2665, C replaced by T.
Protein change: p.Arg889Ter; replaces arginine 889 with a stop codon.
Molecular consequence: nonsense.
Genome position (GRCh38, 1-based): chrX:32,485,057, G>A on the plus strand (C>T on the coding strand, the complement: DMD is on the minus strand). VCF-style: chrX-32485057-G-A. GRCh37 (hg19) VCF-style: chrX-32503174-G-A.
Other names: c.2641C>T, p.Arg881Ter (NM_000109.4); c.2653C>T, p.Arg885Ter (NM_004009.3); c.2296C>T, p.Arg766Ter (NM_004010.3); short protein forms R889*, R881*, R885*, R766*.
Identifiers: ClinVar variation 409911 (VCV000409911.26), dbSNP rs1060502639, ClinGen allele CA16616505.

ClinVar aggregate classification (germline): Pathogenic. Review status: criteria provided, multiple submitters, no conflicts (2 of 4 stars). 8 submissions from 8 submitters: Pathogenic (7). 1 of the submissions does not count toward it. Last evaluated 2024-11-26.

Conditions:
Becker muscular dystrophy (BMD). Also called: MUSCULAR DYSTROPHY, PSEUDOHYPERTROPHIC PROGRESSIVE, BECKER TYPE; Becker Muscular Dystrophy (BMD). Identifiers: Orphanet 98895, MedGen C0917713, MONDO:0010311, OMIM 300376.
Cardiomyopathy (CMYO). Also called: Cardiomyopathies. Identifiers: Orphanet 167848, MedGen C0878544, MONDO:0004994, HP:0001638. Inheritance: Various modes of inheritance.
Duchenne muscular dystrophy (DMD). Also called: MUSCULAR DYSTROPHY, PSEUDOHYPERTROPHIC PROGRESSIVE, DUCHENNE TYPE; Duchenne Muscular Dystrophy (DMD). Identifiers: Orphanet 98896, MedGen C0013264, MONDO:0010679, OMIM 310200.
Dystrophin deficiency.
Dilated cardiomyopathy 3B (CMD3B). Also called: CMD3B: DMD-Related Dilated Cardiomyopathy; CARDIOMYOPATHY, DILATED, X-LINKED; DMD-Associated Dilated Cardiomyopathy. Identifiers: Orphanet 154, MedGen C3668940, MONDO:0010542, OMIM 302045.
Neuromuscular disease caused by qualitative or quantitative defects of dystrophin. Also called: Qualitative or quantitative defects of dystrophin. Identifiers: Orphanet 207085, MedGen C5679787, MONDO:0016147.

Submissions (8):

Revvity Omics, Revvity
Classification: Pathogenic. Last evaluated: 2024-11-26. Review status: criteria provided, single submitter. Criteria: ACMG Guidelines, 2015. Collection method: clinical testing. Allele origin: germline.

Fulgent Genetics
Classification: Pathogenic for Becker muscular dystrophy; Dilated cardiomyopathy 3B; Duchenne muscular dystrophy. Last evaluated: 2024-06-07. Review status: criteria provided, single submitter. Criteria: ACMG Guidelines, 2015. Collection method: clinical testing. Allele origin: germline.

ARUP Laboratories, Molecular Genetics and Genomics, ARUP Laboratories
Classification: Pathogenic. Last evaluated: 2024-03-26. Review status: criteria provided, single submitter. Criteria: ARUP Molecular Germline Variant Investigation Process 2024. Collection method: clinical testing. Allele origin: germline.
Comment: The DMD c.2665C>T; p.Arg889Ter variant (rs1060502639; ClinVar ID: 409911) is reported in the literature in several individuals affected with Duchenne muscular dystrophy (Mah 2011, Taylor 2010). This variant is absent from the Genome Aggregation Database (v2.1.1), indicating it is not a common polymorphism. This variant induces an early termination codon and is predicted to result in a truncated protein or mRNA subject to nonsense-mediated decay. Based on available information, this variant is considered to be pathogenic. References: Mah JK et al. A population-based study of dystrophin mutations in Canada. Can J Neurol Sci. 2011 May;38(3):465-74. PMID: 21515508. Taylor PJ et al. Dystrophin gene mutation location and the risk of cognitive impairment in Duchenne muscular dystrophy. PLoS One. 2010 Jan 20;5(1):e8803. PMID: 20098710.

Baylor Genetics
Classification: Pathogenic for Becker muscular dystrophy. Last evaluated: 2023-11-20. Review status: criteria provided, single submitter. Criteria: ACMG Guidelines, 2015. Collection method: clinical testing. Allele origin: unknown.

Labcorp Genetics (formerly Invitae), Labcorp
Classification: Pathogenic for Duchenne muscular dystrophy. Last evaluated: 2023-08-24. Review status: criteria provided, single submitter. Criteria: Invitae Variant Classification Sherloc (09022015). Collection method: clinical testing. Allele origin: germline.
Comment: This sequence change creates a premature translational stop signal (p.Arg889*) in the DMD gene. It is expected to result in an absent or disrupted protein product. Loss-of-function variants in DMD are known to be pathogenic (PMID: 16770791, 25007885). For these reasons, this variant has been classified as Pathogenic. ClinVar contains an entry for this variant (Variation ID: 409911). This premature translational stop signal has been observed in individuals with Duchenne muscular dystrophy (PMID: 20098710, 21515508). This variant is not present in population databases (gnomAD no frequency).

Laboratory of Medical Genetics, National & Kapodistrian University of Athens
Classification: Pathogenic for Duchenne muscular dystrophy. Last evaluated: 2022-12-16. Review status: criteria provided, single submitter. Criteria: ACMG Guidelines, 2015. Collection method: clinical testing. Allele origin: germline. Affected: yes.
Comment: PVS1, PM2, PP5

Women's Health and Genetics/Laboratory Corporation of America, LabCorp
Classification: Pathogenic for Dystrophinopathies. Last evaluated: 2019-06-03. Review status: criteria provided, single submitter. Criteria: LabCorp Variant Classification Summary - May 2015. Collection method: clinical testing. Allele origin: germline.
Comment: Variant summary: DMD c.2665C>T (p.Arg889X) results in a premature termination codon, predicted to cause a truncation of the encoded protein or absence of the protein due to nonsense mediated decay, which are commonly known mechanisms for disease. The variant was absent in 183384 control chromosomes (gnomAD). c.2665C>T has been reported in the literature in multiple individuals affected with Dystrophinopathies (Mah_2011, Okubo_2017, Xu_2017, Taylor_2010, Zengui_2018). These data indicate that the variant is very likely to be associated with disease. To our knowledge, no experimental evidence demonstrating an impact on protein function has been reported. Two ClinVar submissions from clinical diagnostic laboratories (evaluation after 2014) cite the variant as pathogenic. Based on the evidence outlined above, the variant was classified as pathogenic.

Natera, Inc.
Classification: Pathogenic for Becker muscular dystrophy; Cardiomyopathy; Duchenne muscular dystrophy; Dystrophin deficiency. Last evaluated: 2020-05-19. Review status: no assertion criteria provided. Collection method: clinical testing. Allele origin: germline. Not counted in ClinVar's aggregate classification.

Literature cited by the submitters: PubMed 16770791 (cited by Labcorp Genetics (formerly Invitae), Labcorp); PubMed 25007885 (cited by Labcorp Genetics (formerly Invitae), Labcorp); PubMed 20098710 (cited by Labcorp Genetics (formerly Invitae), Labcorp and Women's Health and Genetics/Laboratory Corporation of America, LabCorp); PubMed 21515508 (cited by Labcorp Genetics (formerly Invitae), Labcorp and Women's Health and Genetics/Laboratory Corporation of America, LabCorp); PubMed 29604111 (cited by Laboratory of Medical Genetics, National & Kapodistrian University of Athens and Women's Health and Genetics/Laboratory Corporation of America, LabCorp); PubMed 33101180 (cited by Laboratory of Medical Genetics, National & Kapodistrian University of Athens); PubMed 33644936 (cited by Laboratory of Medical Genetics, National & Kapodistrian University of Athens); PubMed 28859693 (cited by Women's Health and Genetics/Laboratory Corporation of America, LabCorp); PubMed 29792937 (cited by Women's Health and Genetics/Laboratory Corporation of America, LabCorp).